The following is an entry in ClinVar:

ClinVar aggregate classification (germline): Uncertain significance (1 of 4 stars; one submission).

Submission:

Labcorp Genetics (formerly Invitae), Labcorp
Classification: Uncertain significance. Last evaluated: 2024-10-03. Review status: criteria provided, single submitter. Criteria: Invitae Variant Classification Sherloc (09022015). Collection method: clinical testing. Allele origin: germline.
Comment: This sequence change replaces serine, which is neutral and polar, with phenylalanine, which is neutral and non-polar, at codon 840 of the CTNNA1 protein (p.Ser840Phe). This variant is not present in population databases (gnomAD no frequency). This variant has not been reported in the literature in individuals affected with CTNNA1-related conditions. Invitae Evidence Modeling of protein sequence and biophysical properties (such as structural, functional, and spatial information, amino acid conservation, physicochemical variation, residue mobility, and thermodynamic stability) indicates that this missense variant is expected to disrupt CTNNA1 protein function with a positive predictive value of 80%. In summary, the available evidence is currently insufficient to determine the role of this variant in disease. Therefore, it has been classified as a Variant of Uncertain Significance.

NM_001903.5(CTNNA1):c.2519C>T (p.Ser840Phe)

Gene: CTNNA1 (catenin alpha 1; plus strand). Cytogenetic location: 5q31.2.
Variant type: single nucleotide variant.
Coding change: c.2519C>T on transcript NM_001903.5 (MANE Select); coding-DNA position 2519, C replaced by T.
Protein change: p.Ser840Phe; replaces serine 840 with phenylalanine.
Molecular consequence: missense variant. On other transcripts: 3 prime UTR variant (5).
Genome position (GRCh38, 1-based): chr5:138,933,887, C>T. VCF-style: chr5-138933887-C-T. GRCh37 (hg19) VCF-style: chr5-138269576-C-T.
Other names: c.*64C>T (NM_001290307.3, NM_001324002.1, NM_001324003.1 and 2 more transcripts); c.2210C>T, p.Ser737Phe (NM_001290309.3); c.1409C>T, p.Ser470Phe (NM_001323999.1, NM_001324000.1, NM_001290312.1 and 12 more transcripts); c.1274C>T, p.Ser425Phe (NM_001324001.1); c.1070C>T, p.Ser357Phe (NM_001324006.1, NM_001324007.1, NM_001324008.1 and 2 more transcripts); c.1316C>T, p.Ser439Phe (NM_001324011.1); c.1166C>T, p.Ser389Phe (NM_001324012.1, NM_001324013.1); c.2150C>T, p.Ser717Phe (NM_001290310.3); and 3 more; short protein forms S357F, S425F, S470F, S840F, S389F, S439F, S717F, S737F.
Identifiers: ClinVar variation 3665989 (VCV003665989.2).
Genomic context (GRCh38, chr5:138,933,887, plus strand): 5'-AGGCAGCCAAGAACTTGATGAATGCTGTGGTGCAGACAGTGAAGGCATCCTACGTCGCCT[C>T]TACCAAATACCAAAAGTCACAGGGTATGGCTTCCCTCAACCTTCCTGCTGTGTCATGGAA-3'
Protein context (NP_001894.2, residues 830-850): VQTVKASYVA[Ser840Phe]TKYQKSQGMA